The following is an entry in ClinVar:

ClinVar aggregate classification (germline): Likely benign (1 of 4 stars; one submission).

Submission:

CeGaT Center for Human Genetics Tuebingen
Classification: Likely benign. Last evaluated: 2022-08-01. Review status: criteria provided, single submitter. Criteria: CeGaT Center For Human Genetics Tuebingen Variant Classification Criteria Version 2. Collection method: clinical testing. Allele origin: germline. Affected: yes. Observed: 1 variant allele.
Comment: NARS1: PM2:Supporting, BP4, BP7

NM_004539.4(NARS1):c.1152C>A (p.Pro384=)

Gene: NARS1 (asparaginyl-tRNA synthetase 1; minus strand). Cytogenetic location: 18q21.31.
Variant type: single nucleotide variant.
Coding change: c.1152C>A on transcript NM_004539.4 (MANE Select); coding-DNA position 1152, C replaced by A.
Protein change: p.Pro384=; no amino-acid change (proline 384 retained).
Molecular consequence: synonymous variant.
Genome position (GRCh38, 1-based): chr18:57,605,956, G>T on the plus strand (C>A on the coding strand, the complement: NARS1 is on the minus strand). VCF-style: chr18-57605956-G-T. GRCh37 (hg19) VCF-style: chr18-55273188-G-T.
Identifiers: ClinVar variation 2648749 (VCV002648749.24), dbSNP rs141840292, ClinGen allele CA504013778.